The following is an entry in ClinVar:

ClinVar aggregate classification (germline): Uncertain significance (1 of 4 stars; one submission).

Submission:

Medical Genetic Center, Changzhi Maternal and Child Health Care Hospital
Classification: Uncertain significance. Last evaluated: 2025-12-10. Review status: criteria provided, single submitter. Criteria: ACMG/ClinGen CNV Guidelines, 2019. Collection method: clinical testing. Allele origin: unknown.
Comment: 1A(0)+3A(0):PHEX duplication

GRCh38/hg38 Xp22.11(chrX:21946051-22764194)x2

Genes: CBLL2 (Cbl proto-oncogene like 2; plus strand), PHEX (phosphate regulating endopeptidase X-linked; plus strand), PHEX-AS1 (PHEX antisense RNA 1; minus strand), PTCHD1-AS (PTCHD1 and PHEX antisense RNA; minus strand), SMS (spermine synthase; plus strand) and 6 more. Cytogenetic location: Xp22.11.
Variant type: copy number gain.
Change: copy number 2 of chrX:21,946,051-22,764,194 (818.1 kb, GRCh38 coordinates, 1-based), cytogenetic band Xp22.11.
Identifiers: ClinVar variation 4796438 (VCV004796438.1).